The following is an entry in ClinVar:

NM_004646.4(NPHS1):c.3387+1G>A

Gene: NPHS1 (NPHS1 adhesion molecule, nephrin; minus strand). Cytogenetic location: 19q13.12.
Variant type: single nucleotide variant.
Coding change: c.3387+1G>A on transcript NM_004646.4 (MANE Select); the canonical splice donor site of the intron after coding-DNA position 3387, G replaced by A.
Molecular consequence: splice donor variant.
Genome position (GRCh38, 1-based): chr19:35,831,295, C>T on the plus strand (G>A on the coding strand, the complement: NPHS1 is on the minus strand). VCF-style: chr19-35831295-C-T. GRCh37 (hg19) VCF-style: chr19-36322197-C-T.
Other names: c.3387+1G>A (NM_004646.3).
Identifiers: ClinVar variation 3239968 (VCV003239968.2), dbSNP rs2513755430.

ClinVar aggregate classification (germline): Likely pathogenic. Review status: criteria provided, multiple submitters, no conflicts (2 of 4 stars). 2 submissions from 2 submitters: Likely pathogenic (2). Last evaluated 2025-02-17.

Conditions:
Finnish congenital nephrotic syndrome (NPHS1). Also called: NEPHROTIC SYNDROME, TYPE 1. Identifiers: Orphanet 839, MedGen C0403399, MONDO:0009732, OMIM 256300.

Allele frequency attached by ClinVar (database versions not stated): gnomAD exomes below 0.00001.
gnomAD v4.1: 1 of 1,614,008 alleles (0.000062%); highest among the groups gnomAD compares: Non-Finnish European, 0.000085%; no homozygotes.

Submissions (2):

Natera, Inc.
Classification: Likely pathogenic for Finnish congenital nephrotic syndrome. Last evaluated: 2025-02-17. Review status: criteria provided, single submitter. Criteria: Natera Variant Classification Schema (03/2026). Collection method: clinical testing. Allele origin: germline.
Comment: The c.3387+1G>A variant in NPHS1 is a canonical splice donor site variant predicted to affect pre-mRNA splicing, which may result in an abnormal transcript and altered protein product. This variant is expected to result in nonsense mediated decay, truncation, or a dysfunctional protein product. This variant is rare in the general population with a frequency below the threshold expected for the associated phenotype(s). Given the available evidence, this variant is classified as Likely Pathogenic.

Baylor Genetics
Classification: Likely pathogenic for Finnish congenital nephrotic syndrome. Last evaluated: 2023-12-01. Review status: criteria provided, single submitter. Criteria: ACMG Guidelines, 2015. Collection method: clinical testing. Allele origin: unknown.